The following is an entry in ClinVar:

NM_020975.6(RET):c.2839C>T (p.Leu947=)

Gene: RET (ret proto-oncogene; plus strand). Cytogenetic location: 10q11.21.
Variant type: single nucleotide variant.
Coding change: c.2839C>T on transcript NM_020975.6 (MANE Select); coding-DNA position 2839, C replaced by T.
Protein change: p.Leu947=; no amino-acid change (leucine 947 retained).
Molecular consequence: synonymous variant.
Genome position (GRCh38, 1-based): chr10:43,123,708, C>T. VCF-style: chr10-43123708-C-T. GRCh37 (hg19) VCF-style: chr10-43619156-C-T.
Other names: c.2839C>T, p.Leu947= (NM_000323.2, NM_001406743.1, NM_001406744.1 and 4 more transcripts); c.2077C>T, p.Leu693= (NM_001355216.2); c.2710C>T, p.Leu904= (NM_001406761.1, NM_001406762.1, NM_001406764.1); c.2704C>T, p.Leu902= (NM_001406763.1, NM_001406765.1); c.2551C>T, p.Leu851= (NM_001406766.1, NM_001406767.1, NM_001406770.1); c.2575C>T, p.Leu859= (NM_001406768.1); c.2443C>T, p.Leu815= (NM_001406769.1, NM_001406772.1); c.2401C>T, p.Leu801= (NM_001406771.1, NM_001406773.1); and 10 more.
Identifiers: ClinVar variation 1132970 (VCV001132970.15), dbSNP rs1027913092, ClinGen allele CA206267372.

ClinVar aggregate classification (germline): Likely benign. Review status: criteria provided, multiple submitters, no conflicts (2 of 4 stars). 4 submissions from 4 submitters: Likely benign (4). Last evaluated 2025-12-17.

Conditions:
Hereditary cancer-predisposing syndrome. Also called: Neoplastic Syndromes, Hereditary; Hereditary Cancer Syndrome; Tumor predisposition; Hereditary neoplastic syndrome. Identifiers: Orphanet 140162, MedGen C0027672, MeSH D009386, MONDO:0015356.
Multiple endocrine neoplasia, type 2 (MEN2). Identifiers: Orphanet 653, MedGen C4048306, MONDO:0019003. Disease mechanism: gain of function.

Allele frequency attached by ClinVar (database versions not stated): TOPMed below 0.00001.

Submissions (4):

Labcorp Genetics (formerly Invitae), Labcorp
Classification: Likely benign for Multiple endocrine neoplasia, type 2. Last evaluated: 2025-12-17. Review status: criteria provided, single submitter. Criteria: Invitae Variant Classification Sherloc (09022015). Collection method: clinical testing. Allele origin: germline.

All of Us Research Program, National Institutes of Health
Classification: Likely benign for Multiple endocrine neoplasia, type 2. Last evaluated: 2023-12-18. Review status: criteria provided, single submitter. Criteria: ACMG Guidelines, 2015. Collection method: clinical testing. Allele origin: germline. Inheritance: Autosomal dominant inheritance. Observed: 6 variant alleles, 6 heterozygotes.
Comment: This study involves interpretation of variants in research participants for the purpose of population health screening. Participant phenotype was not available at the time of variant classification. Additional details can be found in publication PMID: 35346344, PMCID: PMC8962531

Color Diagnostics, LLC DBA Color Health
Classification: Likely benign for Multiple endocrine neoplasia, type 2. Last evaluated: 2022-09-29. Review status: criteria provided, single submitter. Criteria: ACMG Guidelines, 2015. Collection method: clinical testing. Allele origin: germline.

Ambry Genetics
Classification: Likely benign for Hereditary cancer-predisposing syndrome. Last evaluated: 2020-10-29. Review status: criteria provided, single submitter. Criteria: Ambry Variant Classification Scheme 2023. Collection method: clinical testing. Allele origin: germline.